The following is an entry in ClinVar:

NM_000341.4(SLC3A1):c.817T>C (p.Cys273Arg)

Gene: SLC3A1 (solute carrier family 3 member 1; plus strand). Cytogenetic location: 2p21.
Variant type: single nucleotide variant.
Coding change: c.817T>C on transcript NM_000341.4 (MANE Select); coding-DNA position 817, T replaced by C.
Protein change: p.Cys273Arg; replaces cysteine 273 with arginine.
Molecular consequence: missense variant.
Genome position (GRCh38, 1-based): chr2:44,286,083, T>C. VCF-style: chr2-44286083-T-C. GRCh37 (hg19) VCF-style: chr2-44513222-T-C.
Other names: short protein forms C273R.
Identifiers: ClinVar variation 804190 (VCV000804190.4), dbSNP rs935314238, ClinGen allele CA46494049.

ClinVar aggregate classification (germline): Uncertain significance. Review status: criteria provided, single submitter (1 of 4 stars). 2 submissions from 2 submitters: Uncertain significance (1). 1 of the submissions does not count toward it. Last evaluated 2025-04-21.

Conditions:
Cystine urolithiasis. Identifiers: MedGen C3671878.

Allele frequency attached by ClinVar (database versions not stated): gnomAD exomes below 0.00001.
gnomAD v4.1: 1 of 1,614,090 alleles (0.000062%); highest among the groups gnomAD compares: Middle Eastern, 0.016%; no homozygotes.

Submissions (2):

Women's Health and Genetics/Laboratory Corporation of America, LabCorp
Classification: Uncertain significance. Last evaluated: 2025-04-21. Review status: criteria provided, single submitter. Criteria: LabCorp Variant Classification Summary - May 2015. Collection method: clinical testing. Allele origin: germline.
Comment: Variant summary: SLC3A1 c.817T>C (p.Cys273Arg) results in a non-conservative amino acid change in the encoded protein sequence. Five of five in-silico tools predict a damaging effect of the variant on protein function. The variant allele was found at a frequency of 4e-06 in 251444 control chromosomes. c.817T>C has been observed in individuals affected with Cystinuria in compound heterozygous individuals and in a biallelic individual with second variant in cis (e.g. Li_2020, Wang_2023). These data indicate that the variant may be associated with disease. To our knowledge, no experimental evidence demonstrating an impact on protein function has been reported. The following publications have been ascertained in the context of this evaluation (PMID: 32133030, 37144129). ClinVar contains an entry for this variant (Variation ID: 804190). Based on the evidence outlined above, the variant was classified as VUS-possibly pathogenic.

The Laboratory of Genetics and Metabolism, Hunan Children’s Hospital
Classification: Likely pathogenic for Cystine Urolithiasis. Review status: no assertion criteria provided. Collection method: research. Allele origin: paternal. Affected: yes. Not counted in ClinVar's aggregate classification.

Literature cited by the submitters: PubMed 37144129 (cited by Women's Health and Genetics/Laboratory Corporation of America, LabCorp); PubMed 32133030 (cited by Women's Health and Genetics/Laboratory Corporation of America, LabCorp).